The following is an entry in ClinVar:

ClinVar aggregate classification (germline): Uncertain significance (1 of 4 stars; one submission).

gnomAD v4.1: 5 of 1,613,406 alleles (0.00031%); highest among the groups gnomAD compares: African/African-American, 0.0067%; no homozygotes.

Submission:

Labcorp Genetics (formerly Invitae), Labcorp
Classification: Uncertain significance. Last evaluated: 2026-01-14. Review status: criteria provided, single submitter. Criteria: Invitae Variant Classification Sherloc (09022015). Collection method: clinical testing. Allele origin: germline.
Comment: This sequence change falls in intron 41 of the MYO18B gene. It does not directly change the encoded amino acid sequence of the MYO18B protein. This variant is present in population databases (rs777849150, gnomAD 0.007%). This variant has not been reported in the literature in individuals affected with MYO18B-related conditions. Algorithms developed to predict the effect of sequence changes on RNA splicing suggest that this variant may disrupt the consensus splice site. In summary, the available evidence is currently insufficient to determine the role of this variant in disease. Therefore, it has been classified as a Variant of Uncertain Significance.

NM_032608.7(MYO18B):c.6333-5T>G

Gene: MYO18B (myosin XVIIIB; plus strand). Cytogenetic location: 22q12.1.
Variant type: single nucleotide variant.
Coding change: c.6333-5T>G on transcript NM_032608.7 (MANE Select); 5 bases into the intron before coding-DNA position 6333, T replaced by G.
Molecular consequence: intron variant.
Genome position (GRCh38, 1-based): chr22:26,004,713, T>G. VCF-style: chr22-26004713-T-G. GRCh37 (hg19) VCF-style: chr22-26400679-T-G.
Other names: c.6336-5T>G (NM_001318245.2).
Identifiers: ClinVar variation 4698626 (VCV004698626.1).